The following is an entry in ClinVar:

NM_000018.4(ACADVL):c.286G>A (p.Glu96Lys)

Gene: ACADVL (acyl-CoA dehydrogenase very long chain; plus strand). Cytogenetic location: 17p13.1.
Variant type: single nucleotide variant.
Coding change: c.286G>A on transcript NM_000018.4 (MANE Select); coding-DNA position 286, G replaced by A.
Protein change: p.Glu96Lys; replaces glutamic acid 96 with lysine.
Molecular consequence: missense variant.
Genome position (GRCh38, 1-based): chr17:7,220,774, G>A. VCF-style: chr17-7220774-G-A. GRCh37 (hg19) VCF-style: chr17-7124093-G-A.
Other names: c.220G>A, p.Glu74Lys (NM_001033859.3); c.355G>A, p.Glu119Lys (NM_001270447.2); c.58G>A, p.Glu20Lys (NM_001270448.2); short protein forms E96K, E74K, E119K, E20K.
Identifiers: ClinVar variation 579856 (VCV000579856.19), dbSNP rs139427392, ClinGen allele CA8337641.

ClinVar aggregate classification (germline): Uncertain significance. Review status: criteria provided, multiple submitters, no conflicts (2 of 4 stars). 5 submissions from 5 submitters: Uncertain significance (4). 1 of the submissions does not count toward it. Last evaluated 2025-01-02.

Conditions:
Very long chain acyl-CoA dehydrogenase deficiency (ACADVLD). Also called: VLCAD Deficiency; Very Long-Chain Acyl-Coenzyme A Dehydrogenase Deficiency. Identifiers: Orphanet 26793, MedGen C3887523, MONDO:0008723, OMIM 201475.

Allele frequency attached by ClinVar (database versions not stated): gnomAD exomes 0.00005 and 0.00012; ExAC 0.00018; gnomAD 0.00042 and 0.00045; TOPMed 0.00042; ESP Exome Variant Server 0.00054.

Submissions (5):

Labcorp Genetics (formerly Invitae), Labcorp
Classification: Uncertain significance for Very long chain acyl-CoA dehydrogenase deficiency. Last evaluated: 2025-01-02. Review status: criteria provided, single submitter. Criteria: Invitae Variant Classification Sherloc (09022015). Collection method: clinical testing. Allele origin: germline.
Comment: This sequence change replaces glutamic acid, which is acidic and polar, with lysine, which is basic and polar, at codon 96 of the ACADVL protein (p.Glu96Lys). This variant is present in population databases (rs139427392, gnomAD 0.2%). This variant has not been reported in the literature in individuals affected with ACADVL-related conditions. ClinVar contains an entry for this variant (Variation ID: 579856). Invitae Evidence Modeling of protein sequence and biophysical properties (such as structural, functional, and spatial information, amino acid conservation, physicochemical variation, residue mobility, and thermodynamic stability) indicates that this missense variant is not expected to disrupt ACADVL protein function with a negative predictive value of 80%. In summary, the available evidence is currently insufficient to determine the role of this variant in disease. Therefore, it has been classified as a Variant of Uncertain Significance.

GeneDx
Classification: Uncertain significance. Last evaluated: 2024-12-10. Review status: criteria provided, single submitter. Criteria: GeneDx Variant Classification Process June 2021. Collection method: clinical testing. Allele origin: germline. Affected: yes.
Comment: Has not been previously published as pathogenic or benign to our knowledge; In silico analysis indicates that this missense variant does not alter protein structure/function

Mayo Clinic Laboratories, Mayo Clinic
Classification: Uncertain significance. Last evaluated: 2020-02-11. Review status: criteria provided, single submitter. Criteria: ACMG Guidelines, 2015. Collection method: clinical testing. Allele origin: germline. Observed: 1 variant allele.

Wong Mito Lab, Molecular and Human Genetics, Baylor College of Medicine
Classification: Uncertain significance for Very long chain acyl-CoA dehydrogenase deficiency. Last evaluated: 2019-11-01. Review status: criteria provided, single submitter. Criteria: ACMG Guidelines, 2015. Collection method: clinical testing. Allele origin: germline.
Comment: The NM_000018.3:c.286G>A (NP_000009.1:p.Glu96Lys) [GRCH38: NC_000017.11:g.7220774G>A] variant in ACADVL gene is interpretated to be Uncertain Significance based on ACMG guidelines (PMID: 25741868). This variant has been reported. This variant meets the following evidence codes reported in the ACMG guidelines: BP4

Natera, Inc.
Classification: Uncertain significance for Very long chain acyl-CoA dehydrogenase deficiency. Last evaluated: 2019-10-28. Review status: no assertion criteria provided. Collection method: clinical testing. Allele origin: germline. Not counted in ClinVar's aggregate classification.